The following is an entry in ClinVar:

NM_020297.4(ABCC9):c.4198A>G (p.Ser1400Gly)

Genes: ABCC9 (ATP binding cassette subfamily C member 9; minus strand), KCNJ8-AS1 (KCNJ8 antisense RNA 1; plus strand). Cytogenetic location: 12p12.1.
Variant type: single nucleotide variant.
Coding change: c.4198A>G on transcript NM_020297.4 (MANE Select); coding-DNA position 4198, A replaced by G.
Protein change: p.Ser1400Gly; replaces serine 1400 with glycine.
Molecular consequence: missense variant.
Genome position (GRCh38, 1-based): chr12:21,812,062, T>C on the plus strand (A>G on the coding strand, the complement: ABCC9 is on the minus strand). VCF-style: chr12-21812062-T-C. GRCh37 (hg19) VCF-style: chr12-21964996-T-C.
Other names: c.4198A>G, p.Ser1400Gly (NM_001377273.1, NM_005691.4); c.3331A>G, p.Ser1111Gly (NM_001377274.1); short protein forms S1111G, S1400G.
Identifiers: ClinVar variation 4699130 (VCV004699130.1).

ClinVar aggregate classification (germline): Uncertain significance (1 of 4 stars; one submission).

Conditions:
Dilated cardiomyopathy 1O (CMD1O). Also called: CARDIOMYOPATHY, DILATED, WITH VENTRICULAR TACHYCARDIA. Identifiers: Orphanet 154, MedGen C1837839, MONDO:0012062, OMIM 608569.

Submission:

Labcorp Genetics (formerly Invitae), Labcorp
Classification: Uncertain significance for Dilated cardiomyopathy 1O. Last evaluated: 2025-10-14. Review status: criteria provided, single submitter. Criteria: Invitae Variant Classification Sherloc (09022015). Collection method: clinical testing. Allele origin: germline.
Comment: This sequence change replaces serine, which is neutral and polar, with glycine, which is neutral and non-polar, at codon 1400 of the ABCC9 protein (p.Ser1400Gly). This variant is not present in population databases (gnomAD no frequency). This variant has not been reported in the literature in individuals affected with ABCC9-related conditions. Invitae Evidence Modeling of protein sequence and biophysical properties (such as structural, functional, and spatial information, amino acid conservation, physicochemical variation, residue mobility, and thermodynamic stability) indicates that this missense variant is expected to disrupt ABCC9 protein function with a positive predictive value of 95%. In summary, the available evidence is currently insufficient to determine the role of this variant in disease. Therefore, it has been classified as a Variant of Uncertain Significance.